The following is an entry in ClinVar:

ClinVar aggregate classification (germline): Uncertain significance. Review status: criteria provided, multiple submitters, no conflicts (2 of 4 stars). 2 submissions from 2 submitters: Uncertain significance (2). Last evaluated 2024-06-24.

Conditions:
Hereditary cancer-predisposing syndrome. Also called: Hereditary Cancer Syndrome; Neoplastic Syndromes, Hereditary; Tumor predisposition; Hereditary neoplastic syndrome. Identifiers: Orphanet 140162, MedGen C0027672, MeSH D009386, MONDO:0015356.

Submissions (2):

Ambry Genetics
Classification: Uncertain significance for Hereditary cancer-predisposing syndrome. Last evaluated: 2024-06-24. Review status: criteria provided, single submitter. Criteria: Ambry Variant Classification Scheme 2023. Collection method: clinical testing. Allele origin: germline.
Comment: The p.C117G variant (also known as c.349T>G), located in coding exon 4 of the ATM gene, results from a T to G substitution at nucleotide position 349. The cysteine at codon 117 is replaced by glycine, an amino acid with highly dissimilar properties. This amino acid position is highly conserved in available vertebrate species. In addition, this alteration is predicted to be deleterious by in silico analysis. Based on the available evidence, the clinical significance of this variant remains unclear.

Color Diagnostics, LLC DBA Color Health
Classification: Uncertain significance for Hereditary cancer-predisposing syndrome. Last evaluated: 2023-12-04. Review status: criteria provided, single submitter. Criteria: ACMG Guidelines, 2015. Collection method: clinical testing. Allele origin: germline.
Comment: This missense variant replaces cysteine with glycine at codon 117 of the ATM protein. Computational prediction is inconclusive regarding the impact of this variant on protein structure and function (internally defined REVEL score threshold 0.5 < inconclusive < 0.7, PMID: 27666373). To our knowledge, functional studies have not been reported for this variant. This variant has not been reported in individuals affected with ATM-related disorders in the literature. This variant has not been identified in the general population by the Genome Aggregation Database (gnomAD). The available evidence is insufficient to determine the role of this variant in disease conclusively. Therefore, this variant is classified as a Variant of Uncertain Significance.

NM_000051.4(ATM):c.349T>G (p.Cys117Gly)

Gene: ATM (ATM serine/threonine kinase; plus strand). Cytogenetic location: 11q22.3.
Variant type: single nucleotide variant.
Coding change: c.349T>G on transcript NM_000051.4 (MANE Select); coding-DNA position 349, T replaced by G.
Protein change: p.Cys117Gly; replaces cysteine 117 with glycine.
Molecular consequence: missense variant.
Genome position (GRCh38, 1-based): chr11:108,235,687, T>G. VCF-style: chr11-108235687-T-G. GRCh37 (hg19) VCF-style: chr11-108106414-T-G.
Other names: c.349T>G, p.Cys117Gly (NM_001351834.2); short protein forms C117G.
Identifiers: ClinVar variation 490536 (VCV000490536.7), dbSNP rs1555059059, ClinGen allele CA382524572.
Genomic context (GRCh38, chr11:108,235,687, plus strand): 5'-TGTTCAAATTTATGTTTTTCTTTATTTGTTTATTTTGAAATAGGAGCACCTAGGCTAAAA[T>G]GTCAAGAACTCTTAAATTATATCATGGATACAGTGAAAGATTCATCTAATGGTGCTATTT-3'
Protein context (NP_000042.3, residues 107-127): CANRRAPRLK[Cys117Gly]QELLNYIMDT